The following is an entry in ClinVar:

ClinVar aggregate classification (germline): Uncertain significance (1 of 4 stars; one submission).

gnomAD v4.1: 8 of 1,613,464 alleles (0.0005%); highest among the groups gnomAD compares: Admixed American, 0.0017%; no homozygotes.

Submission:

Labcorp Genetics (formerly Invitae), Labcorp
Classification: Uncertain significance. Last evaluated: 2025-04-23. Review status: criteria provided, single submitter. Criteria: Invitae Variant Classification Sherloc (09022015). Collection method: clinical testing. Allele origin: germline.
Comment: This sequence change falls in intron 5 of the P4HB gene. It does not directly change the encoded amino acid sequence of the P4HB protein. It affects a nucleotide within the consensus splice site. This variant is present in population databases (no rsID available, gnomAD 0.0009%). This variant has not been reported in the literature in individuals affected with P4HB-related conditions. Variants that disrupt the consensus splice site are a relatively common cause of aberrant splicing (PMID: 17576681, 9536098). Algorithms developed to predict the effect of sequence changes on RNA splicing suggest that this variant is not likely to affect RNA splicing. In summary, the available evidence is currently insufficient to determine the role of this variant in disease. Therefore, it has been classified as a Variant of Uncertain Significance.

Literature cited by the submitters: PubMed 17576681; PubMed 9536098.

NM_000918.4(P4HB):c.729+6G>A

Gene: P4HB (prolyl 4-hydroxylase subunit beta; minus strand). Cytogenetic location: 17q25.3.
Variant type: single nucleotide variant.
Coding change: c.729+6G>A on transcript NM_000918.4 (MANE Select); 6 bases into the intron after coding-DNA position 729, G replaced by A.
Molecular consequence: intron variant.
Genome position (GRCh38, 1-based): chr17:81,847,237, C>T on the plus strand (G>A on the coding strand, the complement: P4HB is on the minus strand). VCF-style: chr17-81847237-C-T. GRCh37 (hg19) VCF-style: chr17-79805113-C-T.
Identifiers: ClinVar variation 4771866 (VCV004771866.1).
Genomic context (GRCh38, chr17:81,847,237, plus strand): 5'-GAGCCTCATGCCACCCCCAACCCACTCCTCCCCATCCCCAGCCTGGGGGCTGCAGGGCAG[C>T]CGCACCTGCTCGGTGAACTCGATGACAAGGGGCAGCTGGTTGTGTTTGATAAAGTCCAGC-3'